The following is an entry in ClinVar:

ClinVar aggregate classification (germline): Likely benign. Review status: criteria provided, multiple submitters, no conflicts (2 of 4 stars). 3 submissions from 3 submitters: Likely benign (3). Last evaluated 2024-09-17.

Conditions:
Malignant hyperthermia, susceptibility to, 1 (MHS1). Also called: Anesthesia related hyperthermia; Malignant hyperpyrexia; Fulminating hyperpyrexia; Pharmacogenic myopathy; Malignant hyperthermia suceptibility 1; RYR1-Related Malignant Hyperthermia Susceptibility. Identifiers: Orphanet 423, MedGen C2930980, MONDO:0007783, OMIM 145600.
RYR1-related disorder. Also called: RYR1-related disorders; RYR1-related condition. Identifiers: MedGen CN239331.

Allele frequency attached by ClinVar (database versions not stated): TOPMed below 0.00001; gnomAD 0.00001; gnomAD exomes 0.00001.
gnomAD v4.1: 7 of 1,613,588 alleles (0.00043%); highest among the groups gnomAD compares: Non-Finnish European, 0.00051%; no homozygotes.

Submissions (3):

Blueprint Genetics
Classification: Likely benign. Last evaluated: 2024-09-17. Review status: criteria provided, single submitter. Criteria: ACMG Guidelines, 2015. Collection method: clinical testing. Allele origin: germline.

All of Us Research Program, National Institutes of Health
Classification: Likely benign for Malignant hyperthermia, susceptibility to, 1. Last evaluated: 2023-08-15. Review status: criteria provided, single submitter. Criteria: ACMG Guidelines, 2015. Collection method: clinical testing. Allele origin: germline. Inheritance: Autosomal dominant inheritance. Observed: 2 variant alleles, 2 heterozygotes.
Comment: This study involves interpretation of variants in research participants for the purpose of population health screening. Participant phenotype was not available at the time of variant classification. Additional details can be found in publication PMID: 35346344, PMCID: PMC8962531

Labcorp Genetics (formerly Invitae), Labcorp
Classification: Likely benign for RYR1-related disorder. Last evaluated: 2022-07-18. Review status: criteria provided, single submitter. Criteria: Invitae Variant Classification Sherloc (09022015). Collection method: clinical testing. Allele origin: germline.

NM_000540.3(RYR1):c.5247T>C (p.Pro1749=)

Gene: RYR1 (ryanodine receptor 1; plus strand). Cytogenetic location: 19q13.2.
Variant type: single nucleotide variant.
Coding change: c.5247T>C on transcript NM_000540.3 (MANE Select); coding-DNA position 5247, T replaced by C.
Protein change: p.Pro1749=; no amino-acid change (proline 1749 retained).
Molecular consequence: synonymous variant.
Genome position (GRCh38, 1-based): chr19:38,485,902, T>C. VCF-style: chr19-38485902-T-C. GRCh37 (hg19) VCF-style: chr19-38976542-T-C.
Other names: c.5247T>C, p.Pro1749= (NM_001042723.2).
Identifiers: ClinVar variation 2160442 (VCV002160442.6), dbSNP rs1312984106, ClinGen allele CA507353296.